The following is an entry in ClinVar:

NM_014249.4(NR2E3):c.874C>T (p.Arg292Trp)

Gene: NR2E3 (nuclear receptor subfamily 2 group E member 3; plus strand). Cytogenetic location: 15q23.
Variant type: single nucleotide variant.
Coding change: c.874C>T on transcript NM_014249.4 (MANE Select); coding-DNA position 874, C replaced by T.
Protein change: p.Arg292Trp; replaces arginine 292 with tryptophan.
Molecular consequence: missense variant.
Genome position (GRCh38, 1-based): chr15:71,813,515, C>T. VCF-style: chr15-71813515-C-T. GRCh37 (hg19) VCF-style: chr15-72105855-C-T.
Other names: c.874C>T, p.Arg292Trp (NM_016346.4); short protein forms R292W.
Identifiers: ClinVar variation 972668 (VCV000972668.7), dbSNP rs368030775, ClinGen allele CA7640419.
Genomic context (GRCh38, chr15:71,813,515, plus strand): 5'-CTGGACAGCTGTCCTCTGCTGGCACCGCCCGAGGCCTCTGCTGCCGGTGGTGCCCAGGGC[C>T]GGCTCACGCTGGCCAGCATGGAGACGCGTGTCCTGCAGGAAACTATCTCTCGGTTCCGGG-3'
Protein context (NP_055064.1, residues 282-302): EASAAGGAQG[Arg292Trp]LTLASMETRV

ClinVar aggregate classification (germline): Uncertain significance. Review status: criteria provided, multiple submitters, no conflicts (2 of 4 stars). 4 submissions from 4 submitters: Uncertain significance (3). 1 of the submissions does not count toward it. Last evaluated 2026-07-09.

Conditions:
Enhanced S-cone syndrome (ESCS). Identifiers: Orphanet 53540, MedGen C1849394, MONDO:0100288, MONDO:0009989.
NR2E3-related disorder. Also called: NR2E3-related disorders; NR2E3-related condition. Identifiers: MedGen CN239387.

Allele frequency attached by ClinVar (database versions not stated): ExAC 0.00003; TOPMed 0.00005; gnomAD 0.00006; ESP Exome Variant Server 0.00016; gnomAD exomes 0.00001 and 0.00002.
gnomAD v4.1: 27 of 1,613,052 alleles (0.0017%); highest among the groups gnomAD compares: Middle Eastern, 0.016%; no homozygotes.

Submissions (4):

PreventionGenetics, part of Exact Sciences
Classification: Uncertain significance for NR2E3-related condition. Last evaluated: 2026-07-09. Review status: criteria provided, single submitter. Criteria: ACMG Guidelines, 2015. Collection method: clinical testing. Allele origin: germline.
Comment: The NR2E3 c.874C>T variant is predicted to result in the amino acid substitution p.Arg292Trp. To our knowledge, this variant has not been reported in the literature. This variant is present in 0.0084% of alleles in individuals of African descent in gnomAD. At this time, the clinical significance of this variant is uncertain due to the absence of conclusive functional and genetic evidence.

Labcorp Genetics (formerly Invitae), Labcorp
Classification: Uncertain significance. Last evaluated: 2025-02-19. Review status: criteria provided, single submitter. Criteria: Invitae Variant Classification Sherloc (09022015). Collection method: clinical testing. Allele origin: germline.
Comment: This sequence change replaces arginine, which is basic and polar, with tryptophan, which is neutral and slightly polar, at codon 292 of the NR2E3 protein (p.Arg292Trp). This variant is present in population databases (rs368030775, gnomAD 0.008%). This missense change has been observed in individual(s) with retinitis pigmentosa (internal data). ClinVar contains an entry for this variant (Variation ID: 972668). Invitae Evidence Modeling of protein sequence and biophysical properties (such as structural, functional, and spatial information, amino acid conservation, physicochemical variation, residue mobility, and thermodynamic stability) indicates that this missense variant is not expected to disrupt NR2E3 protein function with a negative predictive value of 80%. In summary, the available evidence is currently insufficient to determine the role of this variant in disease. Therefore, it has been classified as a Variant of Uncertain Significance.

Blueprint Genetics
Classification: Uncertain significance. Last evaluated: 2021-11-29. Review status: criteria provided, single submitter. Criteria: ACMG Guidelines, 2015. Collection method: clinical testing. Allele origin: germline.

Natera, Inc.
Classification: Uncertain significance for Enhanced S cone syndrome. Last evaluated: 2020-06-30. Review status: no assertion criteria provided. Collection method: clinical testing. Allele origin: germline. Not counted in ClinVar's aggregate classification.